The following is an entry in ClinVar:

NM_033380.3(COL4A5):c.1095G>C (p.Gly365=)

Gene: COL4A5 (collagen type IV alpha 5 chain; plus strand). Cytogenetic location: Xq22.3.
Variant type: single nucleotide variant.
Coding change: c.1095G>C on transcript NM_033380.3 (MANE Select); coding-DNA position 1095, G replaced by C.
Protein change: p.Gly365=; no amino-acid change (glycine 365 retained).
Molecular consequence: synonymous variant.
Genome position (GRCh38, 1-based): chrX:108,586,677, G>C. VCF-style: chrX-108586677-G-C. GRCh37 (hg19) VCF-style: chrX-107829907-G-C.
Other names: p.Gly365=; c.1095G>C, p.Gly365= (NM_000495.5).
Identifiers: ClinVar variation 24365 (VCV000024365.28), dbSNP rs2272945, ClinGen allele CA258399.

ClinVar aggregate classification (germline): Benign. Review status: criteria provided, multiple submitters, no conflicts (2 of 4 stars). 10 submissions from 10 submitters: Benign (9). 1 of the submissions does not count toward it. Last evaluated 2026-02-04.

Conditions:
X-linked Alport syndrome (ATS1). Also called: COL4A5-Related Nephropathy; NEPHROPATHY AND DEAFNESS, X-LINKED. Identifiers: Orphanet 63, Orphanet 88917, MedGen C4746986, MONDO:0010520, OMIM 301050.

Allele frequency attached by ClinVar (database versions not stated): gnomAD exomes 0.01518 and 0.04582; ExAC 0.05242; gnomAD 0.10302; TOPMed 0.12262; ESP Exome Variant Server 0.12449; 1000 Genomes Project 0.15046; 1000 Genomes Project 30x 0.15942.
gnomAD v4.1: 29,504 of 1,205,928 alleles (2.4%); highest among the groups gnomAD compares: African/African-American, 34%; 2,808 homozygotes.

Submissions (10):

Labcorp Genetics (formerly Invitae), Labcorp
Classification: Benign. Last evaluated: 2026-02-04. Review status: criteria provided, single submitter. Criteria: Invitae Variant Classification Sherloc (09022015). Collection method: clinical testing. Allele origin: germline.

Blueprint Genetics
Classification: Benign. Last evaluated: 2024-11-28. Review status: criteria provided, single submitter. Criteria: ACMG Guidelines, 2015. Collection method: clinical testing. Allele origin: germline.

Mayo Clinic Laboratories, Mayo Clinic
Classification: Benign. Last evaluated: 2023-03-26. Review status: criteria provided, single submitter. Criteria: ACMG Guidelines, 2015. Collection method: clinical testing. Allele origin: germline. Observed: 35 variant alleles.

Women's Health and Genetics/Laboratory Corporation of America, LabCorp
Classification: Benign. Last evaluated: 2021-12-10. Review status: criteria provided, single submitter. Criteria: LabCorp Variant Classification Summary - May 2015. Collection method: clinical testing. Allele origin: germline.

ARUP Laboratories, Molecular Genetics and Genomics, ARUP Laboratories
Classification: Benign for X-linked Alport syndrome. Last evaluated: 2021-01-26. Review status: criteria provided, single submitter. Criteria: ARUP Molecular Germline Variant Investigation Process 2021. Collection method: clinical testing. Allele origin: germline.

Laboratory for Molecular Medicine, Mass General Brigham Personalized Medicine
Classification: Benign. Last evaluated: 2016-03-21. Review status: criteria provided, single submitter. Criteria: LMM Criteria. Collection method: clinical testing. Allele origin: germline. Observed: 20 variant alleles.
Comment: p.Gly365Gly in exon 19 of COL4A5: This variant is not expected to have clinical significance because it does not alter an amino acid residue, is not located wit hin the splice consensus sequence, and has been identified in 40.08% (402/1003) of African chromosomes by the 1000 Genomes Project (Phase 3; dbSNP rs2272945).

GeneDx
Classification: Benign. Last evaluated: 2015-03-03. Review status: criteria provided, single submitter. Criteria: GeneDx Variant Classification Process June 2021. Collection method: clinical testing. Allele origin: germline. Affected: yes.

Breakthrough Genomics
Classification: Benign. Review status: criteria provided, single submitter. Criteria: ACMG Guidelines, 2015. Collection method: not provided. Allele origin: germline. Inheritance: X-linked inheritance. Affected: yes.

PreventionGenetics, part of Exact Sciences
Classification: Benign. Review status: criteria provided, single submitter. Criteria: ACMG Guidelines, 2015. Collection method: clinical testing. Allele origin: germline.

Natera, Inc.
Classification: Benign for X-linked Alport syndrome. Last evaluated: 2020-09-16. Review status: no assertion criteria provided. Collection method: clinical testing. Allele origin: germline. Not counted in ClinVar's aggregate classification.